The following is an entry in ClinVar:

NM_001101362.3(KBTBD13):c.1264C>T (p.Arg422Trp)

Gene: KBTBD13 (kelch repeat and BTB domain containing 13; plus strand). Cytogenetic location: 15q22.31.
Variant type: single nucleotide variant.
Coding change: c.1264C>T on transcript NM_001101362.3 (MANE Select); coding-DNA position 1264, C replaced by T.
Protein change: p.Arg422Trp; replaces arginine 422 with tryptophan.
Molecular consequence: missense variant.
Genome position (GRCh38, 1-based): chr15:65,078,079, C>T. VCF-style: chr15-65078079-C-T. GRCh37 (hg19) VCF-style: chr15-65370417-C-T.
Other names: short protein forms R422W.
Identifiers: ClinVar variation 705975 (VCV000705975.12), dbSNP rs370691794, ClinGen allele CA7614113.

ClinVar aggregate classification (germline): Conflicting classifications of pathogenicity. Review status: criteria provided, conflicting classifications (1 of 4 stars). 3 submissions from 3 submitters: Uncertain significance (1); Likely benign (2). Last evaluated 2025-12-09.

Conditions:
Inborn genetic diseases. Identifiers: MedGen C0950123, MeSH D030342.
Nemaline myopathy 6 (NEM6). Also called: Nemaline myopathy 6, autosomal dominant. Identifiers: Orphanet 171439, MedGen C1836472, MONDO:0012237, OMIM 609273.
KBTBD13-related disorder. Also called: KBTBD13-related condition.

Allele frequency attached by ClinVar (database versions not stated): gnomAD exomes 0.00006; ExAC 0.00010; ESP Exome Variant Server 0.00016; gnomAD 0.00032; TOPMed 0.00039.

Submissions (3):

PreventionGenetics, part of Exact Sciences
Classification: Likely benign for KBTBD13-related condition. Last evaluated: 2025-12-09. Review status: criteria provided, single submitter. Criteria: ACMG Guidelines, 2015. Collection method: clinical testing. Allele origin: germline.
Comment: This variant is classified as likely benign based on ACMG/AMP sequence variant interpretation guidelines (Richards et al. 2015 PMID: 25741868, with internal and published modifications).

Labcorp Genetics (formerly Invitae), Labcorp
Classification: Likely benign for Nemaline myopathy 6. Last evaluated: 2025-08-29. Review status: criteria provided, single submitter. Criteria: Invitae Variant Classification Sherloc (09022015). Collection method: clinical testing. Allele origin: germline.

Ambry Genetics
Classification: Uncertain significance for Inborn genetic diseases. Last evaluated: 2025-02-19. Review status: criteria provided, single submitter. Criteria: Ambry Variant Classification Scheme 2023. Collection method: clinical testing. Allele origin: germline.